The following is an entry in ClinVar:

ClinVar aggregate classification (germline): Pathogenic (1 of 4 stars; one submission).

Conditions:
Pontocerebellar hypoplasia type 1A (PCH1A). Also called: PONTOCEREBELLAR HYPOPLASIA WITH ANTERIOR HORN CELL DISEASE; PONTOCEREBELLAR HYPOPLASIA WITH INFANTILE SPINAL MUSCULAR ATROPHY. Identifiers: Orphanet 2254, Orphanet 88616, MedGen C1843504, MONDO:0011866, OMIM 607596.

Submission:

Myriad Genetics, Inc.
Classification: Pathogenic for Pontocerebellar hypoplasia type 1A. Last evaluated: 2024-05-14. Review status: criteria provided, single submitter. Criteria: Myriad Autosomal Dominant, Autosomal Recessive and X-Linked Classification Criteria (2023). Collection method: clinical testing. Allele origin: unknown.
Comment: NM_003384.2(VRK1):c.544_545ins19(N182Ifs*7) is expected to be pathogenic in the context of pontocerebellar hypoplasia, VRK1-related. This variant is predicted to lead to an abnormal or absent protein product due to the creation of a premature termination codon in VRK1, a gene where loss-of-function variants are known to be pathogenic. Please note: this variant was assessed in the context of healthy population screening.

NM_003384.3(VRK1):c.544_545insTTTCCACAGAAGTAAAATG (p.Asn182delinsIleSerThrGluValLysTer)

Gene: VRK1 (VRK serine/threonine kinase 1; plus strand). Cytogenetic location: 14q32.2.
Variant type: Insertion.
Coding change: c.544_545insTTTCCACAGAAGTAAAATG on transcript NM_003384.3 (MANE Select); coding-DNA positions 544 to 545, TTTCCACAGAAGTAAAATG inserted.
Protein change: p.Asn182delinsIleSerThrGluValLysTer.
Molecular consequence: nonsense.
Genome position: GRCh38 VCF-style: chr14-96853134-A-ATTTCCACAGAAGTAAAATG. GRCh37 (hg19) VCF-style: chr14-97319471-A-ATTTCCACAGAAGTAAAATG.
Other names: c.544_545insTTTCCACAGAAGTAAAATG, p.Asn182delinsIleSerThrGluValLysTer (NM_001411051.1, NM_001411053.1).
Identifiers: ClinVar variation 5011173 (VCV005011173.1).
Genomic context (GRCh38, chr14:96,853,134, plus strand): 5'-CTGGATATTCTGGAATATATTCACGAGCATGAGTATGTGCATGGAGATATCAAGGCCTCA[A>ATTTCCACAGAAGTAAAATG]ATCTTCTTCTGAACTACAAGAATCCTGACCAGGTAGTTTTATAACTTTAATTTCTACTAT-3'